The following is an entry in ClinVar:

ClinVar aggregate classification (germline): Uncertain significance (1 of 4 stars; one submission).

gnomAD v4.1: 2 of 1,607,290 alleles (0.00012%); highest among the groups gnomAD compares: African/African-American, 0.0027%; no homozygotes.

Submission:

Ambry Genetics
Classification: Uncertain significance. Last evaluated: 2025-11-25. Review status: criteria provided, single submitter. Criteria: Ambry Variant Classification Scheme 2023. Collection method: clinical testing. Allele origin: germline.
Comment: The p.A214V variant (also known as c.641C>T), located in coding exon 1 of the MC1R gene, results from a C to T substitution at nucleotide position 641. The alanine at codon 214 is replaced by valine, an amino acid with similar properties. This amino acid position is conserved. In addition, this alteration is predicted to be tolerated by in silico analysis. Based on the available evidence, the clinical significance of this variant remains unclear.

NM_002386.4(MC1R):c.641C>T (p.Ala214Val)

Gene: MC1R (melanocortin 1 receptor; plus strand). Cytogenetic location: 16q24.3.
Variant type: single nucleotide variant.
Coding change: c.641C>T on transcript NM_002386.4 (MANE Select); coding-DNA position 641, C replaced by T.
Protein change: p.Ala214Val; replaces alanine 214 with valine.
Molecular consequence: missense variant.
Genome position (GRCh38, 1-based): chr16:89,919,899, C>T. VCF-style: chr16-89919899-C-T. GRCh37 (hg19) VCF-style: chr16-89986307-C-T.
Other names: short protein forms A214V.
Identifiers: ClinVar variation 4550319 (VCV004550319.1).